The following is an entry in ClinVar:

NM_020448.5(NIPAL3):c.1041T>C (p.Asp347=)

Gene: NIPAL3 (NIPA like domain containing 3; plus strand). Cytogenetic location: 1p36.11.
Variant type: single nucleotide variant.
Coding change: c.1041T>C on transcript NM_020448.5 (MANE Select); coding-DNA position 1041, T replaced by C.
Protein change: p.Asp347=; no amino-acid change (aspartic acid 347 retained).
Molecular consequence: synonymous variant. On other transcripts: non-coding transcript variant (3).
Genome position (GRCh38, 1-based): chr1:24,469,005, T>C. VCF-style: chr1-24469005-T-C. GRCh37 (hg19) VCF-style: chr1-24795495-T-C.
Other names: c.1041T>C, p.Asp347= (NM_001322854.2, NM_001322855.2, NM_001322856.2 and 1 more transcripts); c.558T>C, p.Asp186= (NM_001322858.2, NM_001322859.2, NM_001322860.2 and 1 more transcripts); c.795T>C, p.Asp265= (NM_001322862.2, NM_001322863.2); c.1038T>C, p.Asp346= (NM_001322864.2); c.1014T>C, p.Asp338= (NM_001322866.2); c.888T>C, p.Asp296= (NM_001322868.2).
Identifiers: ClinVar variation 3050621 (VCV003050621.2), dbSNP rs202117908, ClinGen allele CA691293.

ClinVar aggregate classification (germline): Likely benign (0 of 4 stars; one submission).

Conditions:
NIPAL3-related disorder. Also called: NIPAL3-related condition.

Allele frequency attached by ClinVar (database versions not stated): gnomAD exomes 0.00009; gnomAD 0.00030; TOPMed 0.00030; ExAC 0.00034; 1000 Genomes Project 0.00180; 1000 Genomes Project 30x 0.00187.
gnomAD v4.1: 233 of 1,614,174 alleles (0.014%); highest among the groups gnomAD compares: East Asian, 0.25%; 1 homozygote.

Submission:

PreventionGenetics, part of Exact Sciences
Classification: Likely benign for NIPAL3-related condition. Last evaluated: 2024-05-10. Review status: no assertion criteria provided. Collection method: clinical testing. Allele origin: germline.
Comment: This variant is classified as likely benign based on ACMG/AMP sequence variant interpretation guidelines (Richards et al. 2015 PMID: 25741868, with internal and published modifications).